The following is an entry in ClinVar:

ClinVar aggregate classification (germline): Uncertain significance (1 of 4 stars; one submission).

Submission:

GeneDx
Classification: Uncertain significance. Last evaluated: 2025-06-02. Review status: criteria provided, single submitter. Criteria: GeneDx Variant Classification Process June 2021. Collection method: clinical testing. Allele origin: germline. Affected: yes.
Comment: Not observed at significant frequency in large population cohorts (gnomAD); In silico analysis suggests that this missense variant does not alter protein structure/function; Has not been previously published as pathogenic or benign to our knowledge

NM_000489.6(ATRX):c.923T>C (p.Val308Ala)

Gene: ATRX (ATRX chromatin remodeler; minus strand). Cytogenetic location: Xq21.1.
Variant type: single nucleotide variant.
Coding change: c.923T>C on transcript NM_000489.6 (MANE Select); coding-DNA position 923, T replaced by C.
Protein change: p.Val308Ala; replaces valine 308 with alanine.
Molecular consequence: missense variant.
Genome position (GRCh38, 1-based): chrX:77,684,333, A>G on the plus strand (T>C on the coding strand, the complement: ATRX is on the minus strand). VCF-style: chrX-77684333-A-G. GRCh37 (hg19) VCF-style: chrX-76939825-A-G.
Other names: c.809T>C, p.Val270Ala (NM_138270.5); short protein forms V270A, V308A.
Identifiers: ClinVar variation 4536247 (VCV004536247.1).